The following is an entry in ClinVar:

NM_003482.4(KMT2D):c.9502A>C (p.Met3168Leu)

Gene: KMT2D (lysine methyltransferase 2D; minus strand). Cytogenetic location: 12q13.12.
Variant type: single nucleotide variant.
Coding change: c.9502A>C on transcript NM_003482.4 (MANE Select); coding-DNA position 9502, A replaced by C.
Protein change: p.Met3168Leu; replaces methionine 3168 with leucine.
Molecular consequence: missense variant.
Genome position (GRCh38, 1-based): chr12:49,037,854, T>G on the plus strand (A>C on the coding strand, the complement: KMT2D is on the minus strand). VCF-style: chr12-49037854-T-G. GRCh37 (hg19) VCF-style: chr12-49431637-T-G.
Other names: short protein forms M3168L.
Identifiers: ClinVar variation 4801221 (VCV004801221.1).

ClinVar aggregate classification (germline): Uncertain significance (1 of 4 stars; one submission).

Conditions:
Kabuki syndrome. Also called: NIIKAWA-KUROKI SYNDROME; Kabuki make-up syndrome. Identifiers: Orphanet 2322, MedGen C0796004, MONDO:0016512.

Submission:

Labcorp Genetics (formerly Invitae), Labcorp
Classification: Uncertain significance for Kabuki syndrome. Last evaluated: 2025-06-14. Review status: criteria provided, single submitter. Criteria: Invitae Variant Classification Sherloc (09022015). Collection method: clinical testing. Allele origin: germline.
Comment: This sequence change replaces methionine, which is neutral and non-polar, with leucine, which is neutral and non-polar, at codon 3168 of the KMT2D protein (p.Met3168Leu). This variant is not present in population databases (gnomAD no frequency). This variant has not been reported in the literature in individuals affected with KMT2D-related conditions. Invitae Evidence Modeling of protein sequence and biophysical properties (such as structural, functional, and spatial information, amino acid conservation, physicochemical variation, residue mobility, and thermodynamic stability) indicates that this missense variant is not expected to disrupt KMT2D protein function with a negative predictive value of 95%. In summary, the available evidence is currently insufficient to determine the role of this variant in disease. Therefore, it has been classified as a Variant of Uncertain Significance.